The following is an entry in ClinVar:

ClinVar aggregate classification (germline): Conflicting classifications of pathogenicity. Review status: criteria provided, conflicting classifications (1 of 4 stars). 6 submissions from 6 submitters: Uncertain significance (2); Benign (1); Likely benign (2). 1 of the submissions does not count toward it. Last evaluated 2026-01-04.

Conditions:
Tuberous sclerosis 2 (TSC2). Identifiers: Orphanet 805, MedGen C1860707, MONDO:0013199, OMIM 613254.
Hereditary cancer-predisposing syndrome. Also called: Tumor predisposition; Hereditary Cancer Syndrome; Neoplastic Syndromes, Hereditary; Hereditary neoplastic syndrome. Identifiers: Orphanet 140162, MedGen C0027672, MeSH D009386, MONDO:0015356.
Tuberous sclerosis syndrome (TSC). Also called: Tuberous Sclerosis Complex; Tuberous sclerosis. Identifiers: Orphanet 805, MedGen C0041341, MONDO:0001734.

Allele frequency attached by ClinVar (database versions not stated): gnomAD 0.00001; TOPMed 0.00003.
gnomAD v4.1: 2 of 1,612,480 alleles (0.00012%); highest among the groups gnomAD compares: African/African-American, 0.0013%; no homozygotes.

Submissions (6):

Labcorp Genetics (formerly Invitae), Labcorp
Classification: Benign for Tuberous sclerosis 2. Last evaluated: 2026-01-04. Review status: criteria provided, single submitter. Criteria: Invitae Variant Classification Sherloc (09022015). Collection method: clinical testing. Allele origin: germline.

All of Us Research Program, National Institutes of Health
Classification: Uncertain significance for Tuberous sclerosis syndrome. Last evaluated: 2024-09-23. Review status: criteria provided, single submitter. Criteria: ACMG Guidelines, 2015. Collection method: clinical testing. Allele origin: germline. Inheritance: Autosomal dominant inheritance. Observed: 4 variant alleles, 4 heterozygotes.
Comment: This missense variant replaces serine with cysteine at codon 433 of the TSC2 protein. Computational prediction is inconclusive regarding the impact of this variant on protein structure and function (internally defined REVEL score threshold 0.5 < inconclusive < 0.7, PMID: 27666373). A functional study has shown that this variant did not affect TSC1/TSC2 interaction or activation of mTORC1 (PMID: 22903760). This variant has been reported in an individual with suspected tuberous sclerosis complex (PMID: 22903760). This variant has not been identified in the general population by the Genome Aggregation Database (gnomAD). The available evidence is insufficient to determine the role of this variant in disease conclusively. Therefore, this variant is classified as a Variant of Uncertain Significance.

This study involves interpretation of variants in research participants for the purpose of population health screening. Participant phenotype was not available at the time of variant classification. Additional details can be found in publication PMID: 35346344, PMCID: PMC8962531

Sema4
Classification: Uncertain significance for Hereditary cancer-predisposing syndrome. Last evaluated: 2022-03-05. Review status: criteria provided, single submitter. Criteria: Sema4 Curation Guidelines. Collection method: curation. Allele origin: germline.
Comment: The TSC2 c.1298C>G (p.S433C) variant has been reported in one individual with suspected tuberous sclerosis (PMID: 2903760). This variant is not reported in the population database Genome Aggregation Database (PMID: 32461654), but has been reported in ClinVar (Variation ID: 65257). In silico predictions of the variant's effect on protein function are inconclusive. However, a functional study demonstrated normal protein function (PMID: 22903760). The evidence is insufficient to meet ACMG/AMP criteria for classifying the variant as benign or pathogenic. Thus, the clinical significance of this variant is currently uncertain.

Genome-Nilou Lab
Classification: Likely benign for Tuberous sclerosis 2. Last evaluated: 2021-11-07. Review status: criteria provided, single submitter. Criteria: ACMG Guidelines, 2015. Collection method: clinical testing. Allele origin: germline. Affected: no.

Ambry Genetics
Classification: Likely benign for Hereditary cancer-predisposing syndrome. Last evaluated: 2020-09-03. Review status: criteria provided, single submitter. Criteria: Ambry Variant Classification Scheme 2023. Collection method: clinical testing. Allele origin: germline.

Tuberous sclerosis database (TSC2)
No classification provided. Condition: TSC. Review status: no classification provided. Criteria: Tuberous Sclerosis Database Assertion Criteria 2015. Collection method: curation. Allele origin: germline. Affected: yes. Not counted in ClinVar's aggregate classification.

Literature cited by the submitters: PubMed 22903760 (cited by All of Us Research Program, National Institutes of Health and Ambry Genetics); PubMed 2903760 (cited by Sema4); PubMed 23514105 (cited by Ambry Genetics).

NM_000548.5(TSC2):c.1298C>G (p.Ser433Cys)

Gene: TSC2 (TSC complex subunit 2; plus strand). Cytogenetic location: 16p13.3.
Variant type: single nucleotide variant.
Coding change: c.1298C>G on transcript NM_000548.5 (MANE Select); coding-DNA position 1298, C replaced by G.
Protein change: p.Ser433Cys; replaces serine 433 with cysteine.
Molecular consequence: missense variant.
Genome position (GRCh38, 1-based): chr16:2,062,537, C>G. VCF-style: chr16-2062537-C-G. GRCh37 (hg19) VCF-style: chr16-2112538-C-G.
Other names: c.1298C>G, p.Ser433Cys (NM_001077183.3, NM_001114382.3, NM_001363528.2 and 3 more transcripts); c.1187C>G, p.Ser396Cys (NM_001318827.2); c.1151C>G, p.Ser384Cys (NM_001318829.2); c.698C>G, p.Ser233Cys (NM_001318831.2); c.1331C>G, p.Ser444Cys (NM_001318832.2); short protein forms S433C, S384C, S396C, S444C, S233C.
Identifiers: ClinVar variation 65257 (VCV000065257.20), dbSNP rs397515187, ClinGen allele CA014387.